The following is an entry in ClinVar:

ClinVar aggregate classification (germline): Benign/Likely benign. Review status: criteria provided, multiple submitters, no conflicts (2 of 4 stars). 4 submissions from 4 submitters: Benign (1); Likely benign (3). Last evaluated 2025-12-01.

Conditions:
Familial thoracic aortic aneurysm and aortic dissection (TAAD). Also called: Thoracic aortic aneurysms and dissections. Identifiers: Orphanet 91387, MedGen C4707243, MONDO:0019625.
Congenital contractural arachnodactyly (CCA). Also called: Arthrogryposis, distal, type 9; Beals-Hecht syndrome; BEALS SYNDROME. Identifiers: Orphanet 115, MedGen C0220668, MONDO:0007363, OMIM 121050.

Allele frequency attached by ClinVar (database versions not stated): gnomAD 0.00001; gnomAD exomes 0.00002; TOPMed 0.00002; ExAC 0.00006; ESP Exome Variant Server 0.00008.
gnomAD v4.1: 37 of 1,614,018 alleles (0.0023%); highest among the groups gnomAD compares: Non-Finnish European, 0.0027%; no homozygotes.

Submissions (4):

Ambry Genetics
Classification: Likely benign for Familial thoracic aortic aneurysm and aortic dissection. Last evaluated: 2025-12-01. Review status: criteria provided, single submitter. Criteria: Ambry Variant Classification Scheme 2023. Collection method: clinical testing. Allele origin: germline.

Women's Health and Genetics/Laboratory Corporation of America, LabCorp
Classification: Likely benign. Last evaluated: 2024-11-22. Review status: criteria provided, single submitter. Criteria: LabCorp Variant Classification Summary - May 2015. Collection method: clinical testing. Allele origin: germline.
Comment: Variant summary: FBN2 c.7218T>G alters a conserved nucleotide resulting in a synonymous change. Consensus agreement among computation tools predict no significant impact on normal splicing. However, these predictions have yet to be confirmed by functional studies. The variant allele was found at a frequency of 2.8e-05 in 251056 control chromosomes. The available data on variant occurrences in the general population are insufficient to allow any conclusion about variant significance. To our knowledge, no occurrence of c.7218T>G in individuals affected with Aortopathy and no experimental evidence demonstrating its impact on protein function have been reported. ClinVar contains an entry for this variant (Variation ID: 2918725). Based on the evidence outlined above, the variant was classified as likely benign.

Blueprint Genetics
Classification: Likely benign. Last evaluated: 2024-11-06. Review status: criteria provided, single submitter. Criteria: ACMG Guidelines, 2015. Collection method: clinical testing. Allele origin: germline.

Labcorp Genetics (formerly Invitae), Labcorp
Classification: Benign for Congenital contractural arachnodactyly. Last evaluated: 2023-11-15. Review status: criteria provided, single submitter. Criteria: Invitae Variant Classification Sherloc (09022015). Collection method: clinical testing. Allele origin: germline.

NM_001999.4(FBN2):c.7218T>G (p.Thr2406=)

Gene: FBN2 (fibrillin 2; minus strand). Cytogenetic location: 5q23.3.
Variant type: single nucleotide variant.
Coding change: c.7218T>G on transcript NM_001999.4 (MANE Select); coding-DNA position 7218, T replaced by G.
Protein change: p.Thr2406=; no amino-acid change (threonine 2406 retained).
Molecular consequence: synonymous variant.
Genome position (GRCh38, 1-based): chr5:128,278,762, A>C on the plus strand (T>G on the coding strand, the complement: FBN2 is on the minus strand). VCF-style: chr5-128278762-A-C. GRCh37 (hg19) VCF-style: chr5-127614454-A-C.
Other names: c.7218T>G (NM_001999.3).
Identifiers: ClinVar variation 2918725 (VCV002918725.6), dbSNP rs143510904, ClinGen allele CA3394176.